The following is an entry in ClinVar:

NM_001036.6(RYR3):c.11198G>A (p.Arg3733His)

Gene: RYR3 (ryanodine receptor 3; plus strand). Cytogenetic location: 15q14.
Variant type: single nucleotide variant.
Coding change: c.11198G>A on transcript NM_001036.6 (MANE Select); coding-DNA position 11198, G replaced by A.
Protein change: p.Arg3733His; replaces arginine 3733 with histidine.
Molecular consequence: missense variant.
Genome position (GRCh38, 1-based): chr15:33,826,705, G>A. VCF-style: chr15-33826705-G-A. GRCh37 (hg19) VCF-style: chr15-34118906-G-A.
Other names: c.11183G>A, p.Arg3728His (NM_001243996.4); short protein forms R3728H, R3733H.
Identifiers: ClinVar variation 862417 (VCV000862417.6), dbSNP rs374140172, ClinGen allele CA7461183.

ClinVar aggregate classification (germline): Uncertain significance (1 of 4 stars; one submission).

Conditions:
Epileptic encephalopathy. Identifiers: MedGen C0543888, HP:0200134.

Allele frequency attached by ClinVar (database versions not stated): gnomAD exomes 0.00001; gnomAD 0.00002; ExAC 0.00003; TOPMed 0.00004; ESP Exome Variant Server 0.00008.
gnomAD v4.1: 17 of 1,613,806 alleles (0.0011%); highest among the groups gnomAD compares: African/African-American, 0.0027%; no homozygotes.

Submission:

Labcorp Genetics (formerly Invitae), Labcorp
Classification: Uncertain significance for Epileptic encephalopathy. Last evaluated: 2021-09-01. Review status: criteria provided, single submitter. Criteria: Invitae Variant Classification Sherloc (09022015). Collection method: clinical testing. Allele origin: germline.
Comment: This sequence change replaces arginine with histidine at codon 3733 of the RYR3 protein (p.Arg3733His). The arginine residue is weakly conserved and there is a small physicochemical difference between arginine and histidine. This variant is present in population databases (rs374140172, ExAC 0.01%). This variant has not been reported in the literature in individuals affected with RYR3-related conditions. Algorithms developed to predict the effect of missense changes on protein structure and function (SIFT, PolyPhen-2, Align-GVGD) all suggest that this variant is likely to be tolerated. In summary, the available evidence is currently insufficient to determine the role of this variant in disease. Therefore, it has been classified as a Variant of Uncertain Significance.